The following is an entry in ClinVar:

NM_000256.3(MYBPC3):c.1036C>G (p.Arg346Gly)

Gene: MYBPC3 (myosin binding protein C3; minus strand). Cytogenetic location: 11p11.2.
Variant type: single nucleotide variant.
Coding change: c.1036C>G on transcript NM_000256.3 (MANE Select); coding-DNA position 1036, C replaced by G.
Protein change: p.Arg346Gly; replaces arginine 346 with glycine.
Molecular consequence: missense variant.
Genome position (GRCh38, 1-based): chr11:47,346,261, G>C on the plus strand (C>G on the coding strand, the complement: MYBPC3 is on the minus strand). VCF-style: chr11-47346261-G-C. GRCh37 (hg19) VCF-style: chr11-47367812-G-C.
Other names: short protein forms R346G.
Identifiers: ClinVar variation 1389144 (VCV001389144.8), dbSNP rs1236178301, ClinGen allele CA380331264.

ClinVar aggregate classification (germline): Uncertain significance (1 of 4 stars; one submission).

Conditions:
Hypertrophic cardiomyopathy. Also called: HYPERTROPHIC MYOCARDIOPATHY. Identifiers: Orphanet 217569, MedGen C0007194, MeSH D002312, MONDO:0005045, HP:0001639.

Submission:

Labcorp Genetics (formerly Invitae), Labcorp
Classification: Uncertain significance for Hypertrophic cardiomyopathy. Last evaluated: 2021-04-20. Review status: criteria provided, single submitter. Criteria: Invitae Variant Classification Sherloc (09022015). Collection method: clinical testing. Allele origin: germline.
Comment: In summary, the available evidence is currently insufficient to determine the role of this variant in disease. Therefore, it has been classified as a Variant of Uncertain Significance. Algorithms developed to predict the effect of missense changes on protein structure and function are either unavailable or do not agree on the potential impact of this missense change (SIFT: "Deleterious"; PolyPhen-2: "Benign"; Align-GVGD: "Class C35"). This variant has not been reported in the literature in individuals with MYBPC3-related conditions. This variant is not present in population databases (ExAC no frequency). This sequence change replaces arginine with glycine at codon 346 of the MYBPC3 protein (p.Arg346Gly). The arginine residue is highly conserved and there is a moderate physicochemical difference between arginine and glycine.